The following is an entry in ClinVar:

ClinVar aggregate classification (germline): Uncertain significance (1 of 4 stars; one submission).

Conditions:
Intellectual disability, CASK-related, X-linked. Identifiers: MedGen CN043158.

Submission:

Labcorp Genetics (formerly Invitae), Labcorp
Classification: Uncertain significance for Intellectual disability, CASK-related, X-linked. Last evaluated: 2024-04-17. Review status: criteria provided, single submitter. Criteria: Invitae Variant Classification Sherloc (09022015). Collection method: clinical testing. Allele origin: germline.
Comment: This sequence change falls in intron 15 of the CASK gene. It does not directly change the encoded amino acid sequence of the CASK protein. It affects a nucleotide within the consensus splice site. This variant is not present in population databases (gnomAD no frequency). This variant has not been reported in the literature in individuals affected with CASK-related conditions. Variants that disrupt the consensus splice site are a relatively common cause of aberrant splicing (PMID: 17576681, 9536098). Algorithms developed to predict the effect of sequence changes on RNA splicing suggest that this variant is not likely to affect RNA splicing. In summary, the available evidence is currently insufficient to determine the role of this variant in disease. Therefore, it has been classified as a Variant of Uncertain Significance.

Literature cited by the submitters: PubMed 17576681; PubMed 9536098.

NM_001367721.1(CASK):c.1504-3C>T

Gene: CASK (calcium/calmodulin dependent serine protein kinase; minus strand). Cytogenetic location: Xp11.4.
Variant type: single nucleotide variant.
Coding change: c.1504-3C>T on transcript NM_001367721.1 (MANE Select); 3 bases into the intron before coding-DNA position 1504, C replaced by T.
Molecular consequence: intron variant.
Genome position (GRCh38, 1-based): chrX:41,569,749, G>A on the plus strand (C>T on the coding strand, the complement: CASK is on the minus strand). VCF-style: chrX-41569749-G-A. GRCh37 (hg19) VCF-style: chrX-41429002-G-A.
Other names: c.1486-3C>T (NM_001126055.3, NM_001410745.1); c.1504-3C>T (NM_001126054.3, NM_003688.4).
Identifiers: ClinVar variation 3650231 (VCV003650231.2).